The following is an entry in ClinVar:

ClinVar aggregate classification (germline): Uncertain significance (1 of 4 stars; one submission).

Submission:

Labcorp Genetics (formerly Invitae), Labcorp
Classification: Uncertain significance. Last evaluated: 2022-04-29. Review status: criteria provided, single submitter. Criteria: Invitae Variant Classification Sherloc (09022015). Collection method: clinical testing. Allele origin: germline.
Comment: This variant is not present in population databases (gnomAD no frequency). This sequence change replaces glycine, which is neutral and non-polar, with cysteine, which is neutral and slightly polar, at codon 16 of the PLAA protein (p.Gly16Cys). This variant has not been reported in the literature in individuals affected with PLAA-related conditions. In summary, the available evidence is currently insufficient to determine the role of this variant in disease. Therefore, it has been classified as a Variant of Uncertain Significance. Algorithms developed to predict the effect of missense changes on protein structure and function (SIFT, PolyPhen-2, Align-GVGD) all suggest that this variant is likely to be disruptive.

NM_001031689.3(PLAA):c.46G>T (p.Gly16Cys)

Gene: PLAA (phospholipase A2 activating protein; minus strand). Cytogenetic location: 9p21.2.
Variant type: single nucleotide variant.
Coding change: c.46G>T on transcript NM_001031689.3 (MANE Select); coding-DNA position 46, G replaced by T.
Protein change: p.Gly16Cys; replaces glycine 16 with cysteine.
Molecular consequence: missense variant.
Genome position (GRCh38, 1-based): chr9:26,947,000, C>A on the plus strand (G>T on the coding strand, the complement: PLAA is on the minus strand). VCF-style: chr9-26947000-C-A. GRCh37 (hg19) VCF-style: chr9-26946998-C-A.
Other names: c.46G>T, p.Gly16Cys (NM_001321546.2); short protein forms G16C.
Identifiers: ClinVar variation 2099935 (VCV002099935.4), dbSNP rs142678137, ClinGen allele CA373115013.